The following is an entry in ClinVar:

ClinVar aggregate classification (germline): Pathogenic (1 of 4 stars; one submission).

gnomAD v4.1: 8 of 1,590,640 alleles (0.0005%); highest among the groups gnomAD compares: Non-Finnish European, 0.00068%; no homozygotes.

Submission:

GeneDx
Classification: Pathogenic. Last evaluated: 2025-09-13. Review status: criteria provided, single submitter. Criteria: GeneDx Variant Classification Process June 2021. Collection method: clinical testing. Allele origin: germline. Affected: yes.
Comment: Not observed at significant frequency in large population cohorts (gnomAD); Internal targeted RNA studies in blood from a different patient referred for testing at GeneDx demonstrate this variant alters RNA splicing by damaging the natural splice donor site of intron 11, leading to an aberrant splice product involving the deletion of the last 53 nucleotides of exon 11 and results in the generation of a premature stop codon that is predicted to lead to nonsense-mediated decay or protein truncation; Has not been previously published as pathogenic or benign to our knowledge

NM_001083961.2(WDR62):c.1550+5G>A

Gene: WDR62 (WD repeat domain 62; plus strand). Cytogenetic location: 19q13.12.
Variant type: single nucleotide variant.
Coding change: c.1550+5G>A on transcript NM_001083961.2 (MANE Select); 5 bases into the intron after coding-DNA position 1550, G replaced by A.
Molecular consequence: intron variant.
Genome position (GRCh38, 1-based): chr19:36,083,246, G>A. VCF-style: chr19-36083246-G-A. GRCh37 (hg19) VCF-style: chr19-36574148-G-A.
Other names: c.1550+5G>A (NM_173636.5, NM_001411146.1); c.1535+5G>A (NM_001411145.1); c.1199+5G>A (NM_001411147.1).
Identifiers: ClinVar variation 4813366 (VCV004813366.1).
Genomic context (GRCh38, chr19:36,083,246, plus strand): 5'-CAGGTCAGTCCTGACGGCCAGCATTTGGCTTCAGGCGACCGAAGTGGAAATCTGAGGCAA[G>A]TGGGCCCTGGCAGTGTCCAGTGTACACCTCCCAGCTCCAGCTCAGGTTCTCAGGGCAGTG-3'